The following is an entry in ClinVar:

ClinVar aggregate classification (germline): Pathogenic (1 of 4 stars; one submission).

Conditions:
Primary ciliary dyskinesia 3. Identifiers: Orphanet 244, MedGen C1837618, MONDO:0012085, OMIM 608644.

Submission:

Myriad Genetics, Inc.
Classification: Pathogenic for Primary ciliary dyskinesia 3. Last evaluated: 2024-05-14. Review status: criteria provided, single submitter. Criteria: Myriad Autosomal Dominant, Autosomal Recessive and X-Linked Classification Criteria (2023). Collection method: clinical testing. Allele origin: unknown.
Comment: NM_001369.2(DNAH5):c.4916del1ins20(F1639Sfs*6) is expected to be pathogenic in the context of primary ciliary dyskinesia, DNAH5-related. This variant is predicted to lead to an abnormal or absent protein product due to the creation of a premature termination codon in DNAH5, a gene where loss-of-function variants are known to be pathogenic. Please note: this variant was assessed in the context of healthy population screening.

NM_001369.3(DNAH5):c.4916delinsCTTATACACATCTGTGATCG (p.Phe1639delinsSerTyrThrHisLeuTer)

Genes: DNAH5 (dynein axonemal heavy chain 5; minus strand), LOC126807318 (MED14-independent group 3 enhancer GRCh37_chr5:13858976-13860175; plus strand). Cytogenetic location: 5p15.2.
Variant type: Indel.
Coding change: c.4916delinsCTTATACACATCTGTGATCG on transcript NM_001369.3 (MANE Select); coding-DNA position 4916, T replaced by CTTATACACATCTGTGATCG.
Protein change: p.Phe1639delinsSerTyrThrHisLeuTer.
Molecular consequence: nonsense.
Genome position (GRCh38, 1-based): chr5:13,859,486, A replaced by CGATCACAGATGTGTATAAG on the plus strand (T replaced by CTTATACACATCTGTGATCG on the coding strand, the reverse complement: DNAH5 is on the minus strand). VCF-style: chr5-13859486-A-CGATCACAGATGTGTATAAG. GRCh37 (hg19) VCF-style: chr5-13859595-A-CGATCACAGATGTGTATAAG.
Identifiers: ClinVar variation 5010527 (VCV005010527.1).
Genomic context (GRCh38, chr5:13,859,486, plus strand): 5'-TGAAATCATAAAGAAGATTACAAAACCTTGGGCAGCTGCTTGGCAATGTCTCCTCCCACA[A>CGATCACAGATGTGTATAAG]AGACAGCTTCTAAATAAATCCACAGGTTTTGCACCGTCATCCAGCTCTCGATGATGTCTG-3'